The following is an entry in ClinVar:

ClinVar aggregate classification (germline): Pathogenic. Review status: criteria provided, multiple submitters, no conflicts (2 of 4 stars). 6 submissions from 6 submitters: Pathogenic (5). 1 of the submissions does not count toward it. Last evaluated 2024-05-11.

Conditions:
Cryopyrin associated periodic syndrome (CAPS). Identifiers: Orphanet 208650, MedGen C2316212, MONDO:0016168.
NLRP3-related disorder. Also called: NLRP3-related condition; NLRP3-Related Disorders.
Hearing loss, autosomal dominant 34, with or without inflammation. Also called: DEAFNESS, AUTOSOMAL DOMINANT 34, WITH OR WITHOUT INFLAMMATION. Identifiers: MedGen C4521680, MONDO:0033261, OMIM 617772.
Familial cold autoinflammatory syndrome 1 (FCAS1). Also called: Familial cold inflammatory syndrome 1; CRYOPYRIN-ASSOCIATED PERIODIC SYNDROME 1. Identifiers: Orphanet 47045, MedGen C4551895, MONDO:0007349, OMIM 120100.
Familial amyloid nephropathy with urticaria AND deafness (MWS). Also called: UDA SYNDROME; URTICARIA-DEAFNESS-AMYLOIDOSIS SYNDROME; MUCKLE-WELLS SYNDROME; Urticaria, deafness and amyloidosis; CRYOPYRIN-ASSOCIATED PERIODIC SYNDROME 2. Identifiers: Orphanet 575, MedGen C0268390, MONDO:0008633, OMIM 191900.
Chronic infantile neurological, cutaneous and articular syndrome (CINCA). Also called: Prieur Griscelli syndrome; CRYOPYRIN-ASSOCIATED PERIODIC SYNDROME 3; CINCA syndrome; CHRONIC NEUROLOGIC CUTANEOUS AND ARTICULAR SYNDROME. Identifiers: Orphanet 1451, MedGen C0409818, MONDO:0011776, OMIM 607115.
Keratitis fugax hereditaria. Also called: KERATOENDOTHELIITIS FUGAX HEREDITARIA. Identifiers: Orphanet 647815, MedGen C1835697, MONDO:0007849, OMIM 148200.

Submissions (6):

Fulgent Genetics
Classification: Pathogenic for Familial cold autoinflammatory syndrome 1; Keratitis fugax hereditaria; Familial amyloid nephropathy with urticaria AND deafness; Chronic infantile neurological, cutaneous and articular syndrome; Hearing loss, autosomal dominant 34, with or without inflammation. Last evaluated: 2024-05-11. Review status: criteria provided, single submitter. Criteria: ACMG Guidelines, 2015. Collection method: clinical testing. Allele origin: germline.

Labcorp Genetics (formerly Invitae), Labcorp
Classification: Pathogenic for Cryopyrin associated periodic syndrome. Last evaluated: 2023-10-28. Review status: criteria provided, single submitter. Criteria: Invitae Variant Classification Sherloc (09022015). Collection method: clinical testing. Allele origin: germline.
Comment: This sequence change replaces glutamic acid, which is acidic and polar, with lysine, which is basic and polar, at codon 313 of the NLRP3 protein (p.Glu313Lys). This variant is not present in population databases (gnomAD no frequency). This missense change has been observed in individual(s) with NLRP3-related conditions (PMID: 22146561, 27191192). It has also been observed to segregate with disease in related individuals. This variant is also known as E311K. ClinVar contains an entry for this variant (Variation ID: 97987). Advanced modeling of protein sequence and biophysical properties (such as structural, functional, and spatial information, amino acid conservation, physicochemical variation, residue mobility, and thermodynamic stability) performed at Invitae indicates that this missense variant is expected to disrupt NLRP3 protein function with a positive predictive value of 95%. For these reasons, this variant has been classified as Pathogenic.

Institute of Medical Genetics and Applied Genomics, University Hospital Tübingen
Classification: Pathogenic for Familial amyloid nephropathy with urticaria AND deafness. Last evaluated: 2022-12-07. Review status: criteria provided, single submitter. Criteria: ACMG Guidelines, 2015. Collection method: clinical testing. Allele origin: germline. Inheritance: Autosomal dominant inheritance. Affected: yes.

Blueprint Genetics
Classification: Pathogenic for NLRP3-related disorders. Last evaluated: 2022-05-16. Review status: criteria provided, single submitter. Criteria: ACMG Guidelines, 2015. Collection method: clinical testing. Allele origin: germline. Affected: yes. Observed: 2 variant alleles.

CeGaT Center for Human Genetics Tuebingen
Classification: Pathogenic. Last evaluated: 2020-11-01. Review status: criteria provided, single submitter. Criteria: CeGaT Center For Human Genetics Tuebingen Variant Classification Criteria Version 2. Collection method: clinical testing. Allele origin: germline. Affected: yes. Observed: 1 variant allele.

Unité médicale des maladies autoinflammatoires, CHRU Montpellier
No classification provided. Condition: Familial cold urticaria. Review status: no classification provided. Collection method: not provided. Allele origin: unknown. Not counted in ClinVar's aggregate classification.
Comment: also involved in OMIM 191900 and 607115

Literature cited by the submitters: PubMed 22146561 (cited by Labcorp Genetics (formerly Invitae), Labcorp); PubMed 27191192 (cited by Labcorp Genetics (formerly Invitae), Labcorp).

NM_001243133.2(NLRP3):c.931G>A (p.Glu311Lys)

Gene: NLRP3 (NLR family pyrin domain containing 3; plus strand). Cytogenetic location: 1q44.
Variant type: single nucleotide variant.
Coding change: c.931G>A on transcript NM_001243133.2 (MANE Select); coding-DNA position 931, G replaced by A.
Protein change: p.Glu311Lys; replaces glutamic acid 311 with lysine.
Molecular consequence: missense variant.
Genome position (GRCh38, 1-based): chr1:247,424,380, G>A. VCF-style: chr1-247424380-G-A. GRCh37 (hg19) VCF-style: chr1-247587682-G-A.
Other names: c.931G>A, p.Glu311Lys (NM_001079821.3, NM_001127461.3, NM_001127462.3 and 1 more transcripts); c.937G>A, p.Glu313Lys (NM_004895.5); c.937G>A (NM_004895.4); short protein forms E313K, E311K.
Identifiers: ClinVar variation 97987 (VCV000097987.45), dbSNP rs180177470, ClinGen allele CA281423.